The following is an entry in ClinVar:

NM_001270508.2(TNFAIP3):c.2014G>A (p.Gly672Arg)

Gene: TNFAIP3 (TNF alpha induced protein 3; plus strand). Cytogenetic location: 6q23.3.
Variant type: single nucleotide variant.
Coding change: c.2014G>A on transcript NM_001270508.2 (MANE Select); coding-DNA position 2014, G replaced by A.
Protein change: p.Gly672Arg; replaces glycine 672 with arginine.
Molecular consequence: missense variant.
Genome position (GRCh38, 1-based): chr6:137,880,178, G>A. VCF-style: chr6-137880178-G-A. GRCh37 (hg19) VCF-style: chr6-138201315-G-A.
Other names: c.2014G>A, p.Gly672Arg (NM_001270507.2, NM_006290.4); short protein forms G672R.
Identifiers: ClinVar variation 4731874 (VCV004731874.1).

ClinVar aggregate classification (germline): Uncertain significance (1 of 4 stars; one submission).

Submission:

Labcorp Genetics (formerly Invitae), Labcorp
Classification: Uncertain significance. Last evaluated: 2025-11-24. Review status: criteria provided, single submitter. Criteria: Invitae Variant Classification Sherloc (09022015). Collection method: clinical testing. Allele origin: germline.
Comment: This sequence change replaces glycine, which is neutral and non-polar, with arginine, which is basic and polar, at codon 672 of the TNFAIP3 protein (p.Gly672Arg). This variant is not present in population databases (gnomAD no frequency). This variant has not been reported in the literature in individuals affected with TNFAIP3-related conditions. An algorithm developed to predict the effect of missense changes on protein structure and function (PolyPhen-2) suggests that this variant is likely to be disruptive. In summary, the available evidence is currently insufficient to determine the role of this variant in disease. Therefore, it has been classified as a Variant of Uncertain Significance.